The following is an entry in ClinVar:

ClinVar aggregate classification (germline): Uncertain significance (1 of 4 stars; one submission).

Conditions:
Joubert syndrome. Also called: CEREBELLOPARENCHYMAL DISORDER IV; JOUBERT-BOLTSHAUSER SYNDROME; Familial aplasia of the vermis. Identifiers: Orphanet 475, MedGen C5979921, MONDO:0018772.

Allele frequency attached by ClinVar (database versions not stated): gnomAD exomes below 0.00001; gnomAD 0.00001; TOPMed 0.00002.

Submission:

Labcorp Genetics (formerly Invitae), Labcorp
Classification: Uncertain significance for Joubert syndrome. Last evaluated: 2022-03-13. Review status: criteria provided, single submitter. Criteria: Invitae Variant Classification Sherloc (09022015). Collection method: clinical testing. Allele origin: germline.
Comment: This sequence change replaces arginine, which is basic and polar, with lysine, which is basic and polar, at codon 206 of the AHI1 protein (p.Arg206Lys). This variant is present in population databases (no rsID available, gnomAD 0.007%). This variant has not been reported in the literature in individuals affected with AHI1-related conditions. Advanced modeling of protein sequence and biophysical properties (such as structural, functional, and spatial information, amino acid conservation, physicochemical variation, residue mobility, and thermodynamic stability) performed at Invitae indicates that this missense variant is not expected to disrupt AHI1 protein function. In summary, the available evidence is currently insufficient to determine the role of this variant in disease. Therefore, it has been classified as a Variant of Uncertain Significance.

NM_001134831.2(AHI1):c.617G>A (p.Arg206Lys)

Gene: AHI1 (Abelson helper integration site 1; minus strand). Cytogenetic location: 6q23.3.
Variant type: single nucleotide variant.
Coding change: c.617G>A on transcript NM_001134831.2 (MANE Select); coding-DNA position 617, G replaced by A.
Protein change: p.Arg206Lys; replaces arginine 206 with lysine.
Molecular consequence: missense variant.
Genome position (GRCh38, 1-based): chr6:135,465,946, C>T on the plus strand (G>A on the coding strand, the complement: AHI1 is on the minus strand). VCF-style: chr6-135465946-C-T. GRCh37 (hg19) VCF-style: chr6-135787084-C-T.
Other names: c.617G>A, p.Arg206Lys (NM_001134830.2, NM_001134832.2, NM_001350503.2 and 2 more transcripts); short protein forms R206K.
Identifiers: ClinVar variation 1915002 (VCV001915002.2), dbSNP rs1233236182, ClinGen allele CA365751029.